The following is an entry in ClinVar:

ClinVar aggregate classification (germline): Likely benign (1 of 4 stars; one submission).

gnomAD v4.1: 5 of 1,601,442 alleles (0.00031%); highest among the groups gnomAD compares: Non-Finnish European, 0.00042%; no homozygotes.

Submission:

CeGaT Center for Human Genetics Tuebingen
Classification: Likely benign. Last evaluated: 2026-08-01. Review status: criteria provided, single submitter. Criteria: CeGaT Center For Human Genetics Tuebingen Variant Classification Criteria Version 2. Collection method: clinical testing. Allele origin: germline. Affected: yes. Observed: 1 variant allele.
Comment: SLIT2: BP4, BP7

NM_004787.4(SLIT2):c.78G>A (p.Gln26=)

Gene: SLIT2 (slit guidance ligand 2; plus strand). Cytogenetic location: 4p15.31.
Variant type: single nucleotide variant.
Coding change: c.78G>A on transcript NM_004787.4 (MANE Select); coding-DNA position 78, G replaced by A.
Protein change: p.Gln26=; no amino-acid change (glutamine 26 retained).
Molecular consequence: synonymous variant.
Genome position (GRCh38, 1-based): chr4:20,253,893, G>A. VCF-style: chr4-20253893-G-A. GRCh37 (hg19) VCF-style: chr4-20255516-G-A.
Other names: c.78G>A, p.Gln26= (NM_001289135.3, NM_001289136.3).
Identifiers: ClinVar variation 5039450 (VCV005039450.1).